The following is an entry in ClinVar:

ClinVar aggregate classification (germline): Uncertain significance. Review status: criteria provided, multiple submitters, no conflicts (2 of 4 stars). 2 submissions from 2 submitters: Uncertain significance (2). Last evaluated 2024-03-22.

Conditions:
Cardiovascular phenotype. Identifiers: MedGen CN230736.
Telangiectasia, hereditary hemorrhagic, type 2 (HHT2). Also called: ACVRL1-Related Hereditary Hemorrhagic Telangiectasia; Telangiectasia, hereditary hemorrhagic, type II. Identifiers: Orphanet 774, MedGen C1838163, MONDO:0010880, OMIM 600376. Disease mechanism: loss of function.

Allele frequency attached by ClinVar (database versions not stated): ExAC 0.00004; TOPMed 0.00004; gnomAD 0.00005; ESP Exome Variant Server 0.00008.
gnomAD v4.1: 43 of 1,606,834 alleles (0.0027%); highest among the groups gnomAD compares: East Asian, 0.0089%; no homozygotes.

Submissions (2):

Fulgent Genetics
Classification: Uncertain significance for Telangiectasia, hereditary hemorrhagic, type 2. Last evaluated: 2024-03-22. Review status: criteria provided, single submitter. Criteria: ACMG Guidelines, 2015. Collection method: clinical testing. Allele origin: germline.

Ambry Genetics
Classification: Uncertain significance for Cardiovascular phenotype. Last evaluated: 2019-03-28. Review status: criteria provided, single submitter. Criteria: Ambry Variant Classification Scheme 2023. Collection method: clinical testing. Allele origin: germline.
Comment: The p.T35M variant (also known as c.104C>T), located in coding exon 2 of the ACVRL1 gene, results from a C to T substitution at nucleotide position 104. The threonine at codon 35 is replaced by methionine, an amino acid with similar properties. This amino acid position is well conserved in available vertebrate species. In addition, the in silico prediction for this alteration is inconclusive. Since supporting evidence is limited at this time, the clinical significance of this alteration remains unclear.

NM_000020.3(ACVRL1):c.104C>T (p.Thr35Met)

Gene: ACVRL1 (activin A receptor like type 1; plus strand). Cytogenetic location: 12q13.13.
Variant type: single nucleotide variant.
Coding change: c.104C>T on transcript NM_000020.3 (MANE Select); coding-DNA position 104, C replaced by T.
Protein change: p.Thr35Met; replaces threonine 35 with methionine.
Molecular consequence: missense variant.
Genome position (GRCh38, 1-based): chr12:51,913,141, C>T. VCF-style: chr12-51913141-C-T. GRCh37 (hg19) VCF-style: chr12-52306925-C-T.
Other names: c.104C>T, p.Thr35Met (NM_001077401.2, NM_001406487.1, NM_001406488.1 and 6 more transcripts); short protein forms T35M.
Identifiers: ClinVar variation 1776631 (VCV001776631.3), dbSNP rs376537508, ClinGen allele CA6572815.
Genomic context (GRCh38, chr12:51,913,141, plus strand): 5'-TTCCGGTGTGTCTTCCAGGAGACCCTGTGAAGCCGTCTCGGGGCCCGCTGGTGACCTGCA[C>T]GTGTGAGAGCCCACATTGCAAGGGGCCTACCTGCCGGGGGGCCTGGTGCACAGTAGTGCT-3'
Protein context (NP_000011.2, residues 25-45): KPSRGPLVTC[Thr35Met]CESPHCKGPT